The following is an entry in ClinVar:

ClinVar aggregate classification (germline): Uncertain significance (1 of 4 stars; one submission).

Allele frequency attached by ClinVar (database versions not stated): gnomAD 0.00001; gnomAD exomes 0.00001; ExAC 0.00003; TOPMed 0.00003.
gnomAD v4.1: 8 of 1,572,236 alleles (0.00051%); highest among the groups gnomAD compares: East Asian, 0.018%; no homozygotes.

Submission:

Labcorp Genetics (formerly Invitae), Labcorp
Classification: Uncertain significance. Last evaluated: 2023-08-11. Review status: criteria provided, single submitter. Criteria: Invitae Variant Classification Sherloc (09022015). Collection method: clinical testing. Allele origin: germline.
Comment: This variant has not been reported in the literature in individuals affected with RPL21-related conditions. Algorithms developed to predict the effect of sequence changes on RNA splicing suggest that this variant is not likely to affect RNA splicing. In summary, the available evidence is currently insufficient to determine the role of this variant in disease. Therefore, it has been classified as a Variant of Uncertain Significance. This variant is present in population databases (rs773597279, gnomAD 0.05%). This sequence change affects codon 22 of the RPL21 mRNA. It is a 'silent' change, meaning that it does not change the encoded amino acid sequence of the RPL21 protein. It affects a nucleotide within the consensus splice site.

NM_000982.4(RPL21):c.66T>C (p.His22=)

Gene: RPL21 (ribosomal protein L21; plus strand). Cytogenetic location: 13q12.2.
Variant type: single nucleotide variant.
Coding change: c.66T>C on transcript NM_000982.4 (MANE Select); coding-DNA position 66, T replaced by C.
Protein change: p.His22=; no amino-acid change (histidine 22 retained).
Molecular consequence: synonymous variant.
Genome position (GRCh38, 1-based): chr13:27,253,842, T>C. VCF-style: chr13-27253842-T-C. GRCh37 (hg19) VCF-style: chr13-27827979-T-C.
Identifiers: ClinVar variation 2712009 (VCV002712009.3), dbSNP rs773597279, ClinGen allele CA6925682.
Genomic context (GRCh38, chr13:27,253,842, plus strand): 5'-GAACACAAAGGGAAAGAGGAGAGGCACCCGATATATGTTCTCTAGGCCTTTTAGAAAACA[T>C]GGTAAGTAGGTTTACCTTCCTTGAGAGAAGCATGGCACACATTTGTGTTCTGTTGTGTTC-3'
Protein context (NP_000973.2, residues 12-32): RYMFSRPFRK[His22=]GVVPLATYMR